The following is an entry in ClinVar:

NM_004608.4(TBX6):c.139G>T (p.Asp47Tyr)

Gene: TBX6 (T-box transcription factor 6; minus strand). Cytogenetic location: 16p11.2.
Variant type: single nucleotide variant.
Coding change: c.139G>T on transcript NM_004608.4 (MANE Select); coding-DNA position 139, G replaced by T.
Protein change: p.Asp47Tyr; replaces aspartic acid 47 with tyrosine.
Molecular consequence: missense variant.
Genome position (GRCh38, 1-based): chr16:30,090,972, C>A on the plus strand (G>T on the coding strand, the complement: TBX6 is on the minus strand). VCF-style: chr16-30090972-C-A. GRCh37 (hg19) VCF-style: chr16-30102293-C-A.
Other names: short protein forms D47Y.
Identifiers: ClinVar variation 3672350 (VCV003672350.2).

ClinVar aggregate classification (germline): Uncertain significance (1 of 4 stars; one submission).

gnomAD v4.1: 1 of 1,613,486 alleles (0.000062%); no homozygotes.

Submission:

Labcorp Genetics (formerly Invitae), Labcorp
Classification: Uncertain significance. Last evaluated: 2024-08-28. Review status: criteria provided, single submitter. Criteria: Invitae Variant Classification Sherloc (09022015). Collection method: clinical testing. Allele origin: germline.
Comment: This sequence change replaces aspartic acid, which is acidic and polar, with tyrosine, which is neutral and polar, at codon 47 of the TBX6 protein (p.Asp47Tyr). The frequency data for this variant in the population databases is considered unreliable, as metrics indicate poor data quality at this position in the gnomAD database. This variant has not been reported in the literature in individuals affected with TBX6-related conditions. An algorithm developed to predict the effect of missense changes on protein structure and function (PolyPhen-2) suggests that this variant is likely to be disruptive. Algorithms developed to predict the effect of sequence changes on RNA splicing suggest that this variant may disrupt the consensus splice site. In summary, the available evidence is currently insufficient to determine the role of this variant in disease. Therefore, it has been classified as a Variant of Uncertain Significance.